The following is an entry in ClinVar:

ClinVar aggregate classification (germline): Likely benign (1 of 4 stars; one submission).

Allele frequency attached by ClinVar (database versions not stated): gnomAD 0.01236 and 0.01331; TOPMed 0.01373; 1000 Genomes Project 0.01677; 1000 Genomes Project 30x 0.01765.
gnomAD v4.1: 1,869 of 152,282 alleles (1.2%); highest among the groups gnomAD compares: African/African-American, 4.3%; 42 homozygotes.

Submission:

GeneDx
Classification: Likely benign. Last evaluated: 2018-06-19. Review status: criteria provided, single submitter. Criteria: GeneDx Variant Classification (06012015). Collection method: clinical testing. Allele origin: germline. Affected: yes.
Comment: This variant is considered likely benign or benign based on one or more of the following criteria: it is a conservative change, it occurs at a poorly conserved position in the protein, it is predicted to be benign by multiple in silico algorithms, and/or has population frequency not consistent with disease.

NM_005159.5(ACTC1):c.991-262C>T

Genes: ACTC1 (actin alpha cardiac muscle 1; minus strand), GJD2-DT (GJD2 divergent transcript; plus strand). Cytogenetic location: 15q14.
Variant type: single nucleotide variant.
Coding change: c.991-262C>T on transcript NM_005159.5 (MANE Select); 262 bases into the intron before coding-DNA position 991, C replaced by T.
Molecular consequence: intron variant.
Genome position (GRCh38, 1-based): chr15:34,790,817, G>A on the plus strand (C>T on the coding strand, the complement: ACTC1 is on the minus strand). VCF-style: chr15-34790817-G-A. GRCh37 (hg19) VCF-style: chr15-35083018-G-A.
Identifiers: ClinVar variation 674093 (VCV000674093.1), dbSNP rs116419104, ClinGen allele CA268660538.